The following is an entry in ClinVar:

NM_001083962.2(TCF4):c.*2951A>G

Gene: TCF4 (transcription factor 4; minus strand). Cytogenetic location: 18q21.2.
Variant type: single nucleotide variant.
Coding change: c.*2951A>G on transcript NM_001083962.2 (MANE Select); 2951 bases downstream of the stop codon, A replaced by G.
Molecular consequence: 3 prime UTR variant.
Genome position (GRCh38, 1-based): chr18:55,225,084, T>C on the plus strand (A>G on the coding strand, the complement: TCF4 is on the minus strand). VCF-style: chr18-55225084-T-C. GRCh37 (hg19) VCF-style: chr18-52892315-T-C.
Other names: c.*2951A>G (NM_001243226.3, NM_001243227.2, NM_001243228.2 and 42 more transcripts).
Identifiers: ClinVar variation 327265 (VCV000327265.6), dbSNP rs76640061, ClinGen allele CA10651851.

ClinVar aggregate classification (germline): Benign. Review status: criteria provided, multiple submitters, no conflicts (2 of 4 stars). 2 submissions from 2 submitters: Benign (2). Last evaluated 2018-01-13.

Conditions:
Pitt-Hopkins syndrome (PTHS). Also called: ENCEPHALOPATHY, SEVERE EPILEPTIC, WITH AUTONOMIC DYSFUNCTION; MENTAL RETARDATION, SYNDROMAL, WITH INTERMITTENT HYPERVENTILATION. Identifiers: Orphanet 2896, MedGen C1970431, MONDO:0012589, OMIM 610954.

Allele frequency attached by ClinVar (database versions not stated): 1000 Genomes Project 30x 0.01421; 1000 Genomes Project 0.01478; gnomAD 0.02957 and 0.03016; TOPMed 0.03068.

Submissions (2):

Illumina Laboratory Services, Illumina
Classification: Benign for Pitt-Hopkins syndrome. Last evaluated: 2018-01-13. Review status: criteria provided, single submitter. Criteria: ICSL Variant Classification Criteria 13 December 2019. Collection method: clinical testing. Allele origin: germline.
Comment: This variant was observed in the ICSL laboratory as part of a predisposition screen in an ostensibly healthy population. It had not been previously curated by ICSL or reported in the Human Gene Mutation Database (HGMD: prior to June 1st, 2018), and was therefore a candidate for classification through an automated scoring system. Utilizing variant allele frequency, disease prevalence and penetrance estimates, and inheritance mode, an automated score was calculated to assess if this variant is too frequent to cause the disease. Based on the score and internal cut-off values, a variant classified as benign is not then subjected to further curation. The score for this variant resulted in a classification of benign for this disease.

Breakthrough Genomics
Classification: Benign. Review status: criteria provided, single submitter. Criteria: ACMG Guidelines, 2015. Collection method: not provided. Allele origin: germline. Inheritance: Autosomal dominant inheritance. Affected: yes.